The following is an entry in ClinVar:

ClinVar aggregate classification (germline): Conflicting classifications of pathogenicity. Review status: criteria provided, conflicting classifications (1 of 4 stars). 3 submissions from 3 submitters: Uncertain significance (2); Likely benign (1). Last evaluated 2025-01-13.

Allele frequency attached by ClinVar (database versions not stated): gnomAD exomes 0.00002 and 0.00010; 1000 Genomes Project 0.00020; ESP Exome Variant Server 0.00023; ExAC 0.00012; 1000 Genomes Project 30x 0.00016; TOPMed 0.00016; gnomAD 0.00021.
gnomAD v4.1: 84 of 1,614,050 alleles (0.0052%); highest among the groups gnomAD compares: African/African-American, 0.052%; no homozygotes.

Submissions (3):

GeneDx
Classification: Uncertain significance. Last evaluated: 2025-01-13. Review status: criteria provided, single submitter. Criteria: GeneDx Variant Classification Process June 2021. Collection method: clinical testing. Allele origin: germline. Affected: yes.
Comment: In silico analysis indicates that this missense variant does not alter protein structure/function; Has not been previously published in an individual with a DNASE1L3-related disorder to our knowledge; This variant is associated with the following publications: (PMID: 24206041)

Labcorp Genetics (formerly Invitae), Labcorp
Classification: Uncertain significance. Last evaluated: 2022-08-20. Review status: criteria provided, single submitter. Criteria: Invitae Variant Classification Sherloc (09022015). Collection method: clinical testing. Allele origin: germline.
Comment: This sequence change replaces glutamic acid, which is acidic and polar, with lysine, which is basic and polar, at codon 73 of the DNASE1L3 protein (p.Glu73Lys). This variant is present in population databases (rs149330798, gnomAD 0.07%). This variant has not been reported in the literature in individuals affected with DNASE1L3-related conditions. ClinVar contains an entry for this variant (Variation ID: 377358). Algorithms developed to predict the effect of missense changes on protein structure and function output the following: SIFT: "Tolerated"; PolyPhen-2: "Benign"; Align-GVGD: "Class C0". The lysine amino acid residue is found in multiple mammalian species, which suggests that this missense change does not adversely affect protein function. Experimental studies have shown that this missense change does not substantially affect DNASE1L3 function (PMID: 24206041). In summary, the available evidence is currently insufficient to determine the role of this variant in disease. Therefore, it has been classified as a Variant of Uncertain Significance.

Center for Pediatric Genomic Medicine, Children's Mercy Hospital and Clinics
Classification: Likely benign. Last evaluated: 2016-06-14. Review status: criteria provided, single submitter. Criteria: ACMG Guidelines, 2015. Collection method: clinical testing. Allele origin: germline.
ClinVar note: Converted during submission from Likely Benign to Likely benign.

Literature cited by the submitters: PubMed 24206041 (cited by Labcorp Genetics (formerly Invitae), Labcorp).

NM_004944.4(DNASE1L3):c.217G>A (p.Glu73Lys)

Gene: DNASE1L3 (deoxyribonuclease 1L3; minus strand). Cytogenetic location: 3p14.3.
Variant type: single nucleotide variant.
Coding change: c.217G>A on transcript NM_004944.4 (MANE Select); coding-DNA position 217, G replaced by A.
Protein change: p.Glu73Lys; replaces glutamic acid 73 with lysine.
Molecular consequence: missense variant.
Genome position (GRCh38, 1-based): chr3:58,208,231, C>T on the plus strand (G>A on the coding strand, the complement: DNASE1L3 is on the minus strand). VCF-style: chr3-58208231-C-T. GRCh37 (hg19) VCF-style: chr3-58193958-C-T.
Other names: c.217G>A, p.Glu73Lys (NM_001256560.2); c.217G>A (NM_004944.3); short protein forms E73K.
Identifiers: ClinVar variation 377358 (VCV000377358.7), dbSNP rs149330798, ClinGen allele CA2470094.